The following is an entry in ClinVar:

ClinVar aggregate classification (germline): Uncertain significance (1 of 4 stars; one submission).

Conditions:
Ullrich congenital muscular dystrophy 2 (UCMD2). Identifiers: Orphanet 75840, MedGen C4225314, MONDO:0014654, OMIM 616470.
Bethlem myopathy 2 (BTHLM2). Identifiers: Orphanet 536516, Orphanet 610, MedGen C4225313, MONDO:0034022, OMIM 616471.

Submission:

Labcorp Genetics (formerly Invitae), Labcorp
Classification: Uncertain significance for Bethlem myopathy 2; Ullrich congenital muscular dystrophy 2. Last evaluated: 2021-11-29. Review status: criteria provided, single submitter. Criteria: Invitae Variant Classification Sherloc (09022015). Collection method: clinical testing. Allele origin: germline.
Comment: This variant is not present in population databases (gnomAD no frequency). In summary, the available evidence is currently insufficient to determine the role of this variant in disease. Therefore, it has been classified as a Variant of Uncertain Significance. Variants that disrupt the consensus splice site are a relatively common cause of aberrant splicing (PMID: 17576681, 9536098). Algorithms developed to predict the effect of sequence changes on RNA splicing suggest that this variant is not likely to affect RNA splicing. This variant has not been reported in the literature in individuals affected with COL12A1-related conditions. This sequence change falls in intron 44 of the COL12A1 gene. It does not directly change the encoded amino acid sequence of the COL12A1 protein. It affects a nucleotide within the consensus splice site.

Literature cited by the submitters: PubMed 17576681; PubMed 9536098.

NM_004370.6(COL12A1):c.7087-3C>T

Genes: COL12A1 (collagen type XII alpha 1 chain; minus strand), LOC126859712 (MED14-independent group 3 enhancer GRCh37_chr6:75828643-75829842; plus strand). Cytogenetic location: 6q13.
Variant type: single nucleotide variant.
Coding change: c.7087-3C>T on transcript NM_004370.6 (MANE Select); 3 bases into the intron before coding-DNA position 7087, C replaced by T.
Molecular consequence: intron variant.
Genome position (GRCh38, 1-based): chr6:75,119,476, G>A on the plus strand (C>T on the coding strand, the complement: COL12A1 is on the minus strand). VCF-style: chr6-75119476-G-A. GRCh37 (hg19) VCF-style: chr6-75829192-G-A.
Other names: c.3595-3C>T (NM_080645.3).
Identifiers: ClinVar variation 1491284 (VCV001491284.6), dbSNP rs1769248501, ClinGen allele CA1638933469.
Genomic context (GRCh38, chr6:75,119,476, plus strand): 5'-TGTACGTGTTCAGCTTGAACTCAGACTTGACCTCATCGCTGTATTGCACAAATGAAACCT[G>A]AAGGAAAATGTGATTTGGCAGTGAGCATAAGTCATCTCATTTTATGTTTCAATCTTCAAA-3'